The following is an entry in ClinVar:

ClinVar aggregate classification (germline): Pathogenic. Review status: criteria provided, multiple submitters, no conflicts (2 of 4 stars). 4 submissions from 4 submitters: Pathogenic (3). 1 of the submissions does not count toward it. Last evaluated 2026-05-15.

Conditions:
Hereditary cancer-predisposing syndrome. Also called: Neoplastic Syndromes, Hereditary; Tumor predisposition; Hereditary neoplastic syndrome; Hereditary Cancer Syndrome. Identifiers: Orphanet 140162, MedGen C0027672, MeSH D009386, MONDO:0015356.
Pheochromocytoma. Also called: MAX-Related Hereditary Paraganglioma-Pheochromocytoma Syndrome. Identifiers: Orphanet 29072, MedGen C0031511, MONDO:0008233, OMIM 171300, HP:0002666.
Hereditary pheochromocytoma and paraganglioma. Also called: Hereditary Paraganglioma-Pheochromocytoma Syndromes; Hereditary paragangliomas and pheochromocytomas; Hereditary pheochromocytoma-paraganglioma. Identifiers: Orphanet 29072, MedGen C4274332, MONDO:0017366.

Allele frequency attached by ClinVar (database versions not stated): gnomAD exomes below 0.00001.

Submissions (4):

Myriad Genetics, Inc.
Classification: Pathogenic for Hereditary pheochromocytoma and paraganglioma. Last evaluated: 2026-05-15. Review status: criteria provided, single submitter. Criteria: Myriad Autosomal Dominant, Autosomal Recessive and X-Linked Classification Criteria (2023). Collection method: clinical testing. Allele origin: unknown.
Comment: This variant is considered pathogenic. This variant is located within the gene translation start codon (p.Met1?) and is predicted to result in abnormal protein translation. This variant has been reported in multiple individuals with clinical features of gene-specific disease [PMID: 21156949, 29282712, 28384794, 33051659]. Functional studies indicate this variant impacts protein function [PMID: 21156949, 32575117].

Labcorp Genetics (formerly Invitae), Labcorp
Classification: Pathogenic for Hereditary pheochromocytoma and paraganglioma. Last evaluated: 2025-12-08. Review status: criteria provided, single submitter. Criteria: Invitae Variant Classification Sherloc (09022015). Collection method: clinical testing. Allele origin: germline.
Comment: This sequence change affects the initiator codon of the TMEM127 mRNA. This change may impact translation initiation or efficiency. The next in-frame methionine is located at codon 85. This variant is not present in population databases (gnomAD no frequency). Disruption of the initiator codon has been observed in individuals with paraganglioma-pheochromocytoma syndrome (PMID: 28384794, 29282712; internal data). ClinVar contains an entry for this variant (Variation ID: 2574088). This variant disrupts a region of the TMEM127 protein in which other variant(s) (p.Ala47Asp) have been observed in individuals with TMEM127-related conditions (PMID: 20923864). This suggests that this is a clinically significant region of the protein, and that variants that disrupt it are likely to be disease-causing. For these reasons, this variant has been classified as Pathogenic.

Ambry Genetics
Classification: Pathogenic for Hereditary cancer-predisposing syndrome. Last evaluated: 2023-10-06. Review status: criteria provided, single submitter. Criteria: Ambry Variant Classification Scheme 2023. Collection method: clinical testing. Allele origin: germline.
Comment: The p.M1? pathogenic mutation (also known as c.2T>C) is located in coding exon 1 of the TMEM127 gene and results from a T to C substitution at nucleotide position 2. This alters the methionine residue at the initiation codon (ATG). Variants affecting the initiation codon have been identified in individuals with a personal of family history of TMEM127-associated disease (Bausch B et al. JAMA Oncol. 2017 Sep;3(9):1204-1212; Eijkelenkamp K et al. Clin GEnet. 2018 May;93(5):1049-1056). Protein functional studies have shown initiation codon loss disrupts TMEM127 function (Yao L et al. JAMA. 2010 Dec;304:2611-9). In addition to the clinical data presented in the literature, sequence variations that modify the initiation codon are expected to result in either loss of translation initiation, N-terminal truncation, or cause a shift in the mRNA reading frame. Based on the supporting evidence, this alteration is interpreted as a disease-causing mutation.

deCODE genetics, Amgen
Classification: Likely pathogenic for Pheochromocytoma. Last evaluated: 2023-07-21. Review status: no assertion criteria provided. Collection method: research. Allele origin: germline. Affected: yes. Observed: 6 variant alleles. Not counted in ClinVar's aggregate classification.
Comment: The variant NM_017849.4:c.2T>C (chr2:96265380) in TMEM127 was detected in 4 heterozygotes out of 58K WGS Icelanders (MAF= 0,003%). This variant has not been reported in ClinVar previously. Based on ACMG criteria (PVS1, PM2) this variant classifies as likely pathogenic.

Literature cited by the submitters: PubMed 21156949 (cited by Myriad Genetics, Inc.); PubMed 29282712 (cited by Myriad Genetics, Inc. and Labcorp Genetics (formerly Invitae), Labcorp); PubMed 28384794 (cited by Myriad Genetics, Inc. and Labcorp Genetics (formerly Invitae), Labcorp); PubMed 33051659 (cited by Myriad Genetics, Inc.); PubMed 32575117 (cited by Myriad Genetics, Inc.); PubMed 20923864 (cited by Labcorp Genetics (formerly Invitae), Labcorp).

NM_017849.4(TMEM127):c.2T>C (p.Met1Thr)

Genes: TMEM127 (transmembrane protein 127; minus strand), LOC129934333 (ATAC-STARR-seq lymphoblastoid silent region 11759; plus strand). Cytogenetic location: 2q11.2.
Variant type: single nucleotide variant.
Coding change: c.2T>C on transcript NM_017849.4 (MANE Select); coding-DNA position 2, T replaced by C.
Protein change: p.Met1Thr; changes the start codon (methionine 1).
Molecular consequence: missense variant, initiator codon variant. On other transcripts: intron variant (1).
Genome position (GRCh38, 1-based): chr2:96,265,380, A>G on the plus strand (T>C on the coding strand, the complement: TMEM127 is on the minus strand). VCF-style: chr2-96265380-A-G. GRCh37 (hg19) VCF-style: chr2-96931118-A-G.
Other names: c.2T>C, p.Met1Thr (NM_001193304.3); c.-9+489T>C (NM_001407283.1); short protein forms M1T.
Identifiers: ClinVar variation 2574088 (VCV002574088.5), dbSNP rs1684398953, ClinGen allele CA347656377.